The following is an entry in ClinVar:

ClinVar aggregate classification (germline): Conflicting classifications of pathogenicity. Review status: criteria provided, conflicting classifications (1 of 4 stars). 3 submissions from 3 submitters: Uncertain significance (1); Likely benign (2). Last evaluated 2026-02-03.

Conditions:
Hereditary cancer-predisposing syndrome. Also called: Tumor predisposition; Neoplastic Syndromes, Hereditary; Hereditary Cancer Syndrome; Hereditary neoplastic syndrome. Identifiers: Orphanet 140162, MedGen C0027672, MeSH D009386, MONDO:0015356.
Pheochromocytoma/paraganglioma syndrome 3. Also called: GLOMUS TUMORS, FAMILIAL, 3; Paragangliomas 3; SDHC-Related Hereditary Paraganglioma-Pheochromocytoma Syndrome (Paragangliomas 3); SDHC-Related Hereditary Paraganglioma-Pheochromocytoma Syndrome. Identifiers: Orphanet 29072, MedGen C1854336, MONDO:0011544, OMIM 605373.
Gastrointestinal stromal tumor. Also called: Gastrointestinal stromal tumor, somatic; Gastrointestinal stroma tumor. Identifiers: Orphanet 44890, MedGen C0238198, MeSH D046152, MONDO:0011719, OMIM 606764, HP:0100723.

gnomAD v4.1: 10 of 1,572,666 alleles (0.00064%); highest among the groups gnomAD compares: Non-Finnish European, 0.00087%; no homozygotes.

Submissions (3):

Labcorp Genetics (formerly Invitae), Labcorp
Classification: Likely benign for Pheochromocytoma/paraganglioma syndrome 3; Gastrointestinal stromal tumor. Last evaluated: 2026-02-03. Review status: criteria provided, single submitter. Criteria: Invitae Variant Classification Sherloc (09022015). Collection method: clinical testing. Allele origin: germline.

Myriad Genetics, Inc.
Classification: Likely benign for Pheochromocytoma/paraganglioma syndrome 3. Last evaluated: 2025-03-14. Review status: criteria provided, single submitter. Criteria: Myriad Autosomal Dominant, Autosomal Recessive and X-Linked Classification Criteria (2023). Collection method: clinical testing. Allele origin: unknown.
Comment: This variant is considered likely benign. This variant is intronic and is not expected to impact mRNA splicing.

Ambry Genetics
Classification: Uncertain significance for Hereditary cancer-predisposing syndrome. Last evaluated: 2022-08-19. Review status: criteria provided, single submitter. Criteria: Ambry Variant Classification Scheme 2023. Collection method: clinical testing. Allele origin: germline.
Comment: The c.78-16T>C intronic alteration consists of a T to C substitution 16 nucleotides before coding exon 3 in the SDHC gene. Based on insufficient or conflicting evidence, the clinical significance of this alteration remains unclear.

NM_003001.5(SDHC):c.78-16T>C

Gene: SDHC (succinate dehydrogenase complex subunit C; plus strand). Cytogenetic location: 1q23.3.
Variant type: single nucleotide variant.
Coding change: c.78-16T>C on transcript NM_003001.5 (MANE Select); 16 bases into the intron before coding-DNA position 78, T replaced by C.
Molecular consequence: intron variant.
Genome position (GRCh38, 1-based): chr1:161,328,380, T>C. VCF-style: chr1-161328380-T-C. GRCh37 (hg19) VCF-style: chr1-161298170-T-C.
Other names: c.78-16T>C (NM_003001.3, NM_001407115.1, NM_001035511.3); c.-34-16T>C (NM_001407119.1, NM_001407120.1); c.77+4710T>C (NM_001035512.3, NM_001278172.3, NM_001407118.1); c.21-16T>C (NM_001407116.1, NM_001407121.1, NM_001407117.1); c.21-12214T>C (NM_001035513.3).
Identifiers: ClinVar variation 1570658 (VCV001570658.11), dbSNP rs2102307516, ClinGen allele CA2573131195.